The following is an entry in ClinVar:

NC_000014.8:g.(?_102963296)_(102964594_?)dup

Gene: TECPR2 (tectonin beta-propeller repeat containing 2; plus strand). Cytogenetic location: 14q32.31.
Variant type: Duplication.
Identifiers: ClinVar variation 2425983 (VCV002425983.5).

ClinVar aggregate classification (germline): Uncertain significance (1 of 4 stars; one submission).

Conditions:
Hereditary spastic paraplegia 49 (HSAN9). Also called: NEUROPATHY, HEREDITARY SENSORY AND AUTONOMIC, TYPE IX, WITH DEVELOPMENTAL DELAY; Spastic paraplegia 49, autosomal recessive; TECPR2-Related Hereditary Sensory and Autonomic Neuropathy with Intellectual Disability. Identifiers: Orphanet 320385, MedGen C5190860, MONDO:0014016, OMIM 615031.

Submission:

Labcorp Genetics (formerly Invitae), Labcorp
Classification: Uncertain significance for Hereditary spastic paraplegia 49. Last evaluated: 2021-05-17. Review status: criteria provided, single submitter. Criteria: Invitae Variant Classification Sherloc (09022015). Collection method: clinical testing. Allele origin: germline.
Comment: This variant results in a copy number gain of the genomic region encompassing exon(s) 18-20 of the TECPR2 gene. The 5' boundary is likely confined to intron 17. The 3' end of this event is unknown as it extends beyond the assayed region for this gene and therefore may encompass additional genes. As the precise location of this event is unknown, it may be in tandem or it may be located elsewhere in the genome. This variant has not been reported in the literature in individuals with TECPR2-related conditions. In summary, the available evidence is currently insufficient to determine the role of this variant in disease. Therefore, it has been classified as a Variant of Uncertain Significance.